The following is an entry in ClinVar:

NM_022552.5(DNMT3A):c.1775A>T (p.Tyr592Phe)

Gene: DNMT3A (DNA methyltransferase 3 alpha; minus strand). Cytogenetic location: 2p23.3.
Variant type: single nucleotide variant.
Coding change: c.1775A>T on transcript NM_022552.5 (MANE Select); coding-DNA position 1775, A replaced by T.
Protein change: p.Tyr592Phe; replaces tyrosine 592 with phenylalanine.
Molecular consequence: missense variant. On other transcripts: non-coding transcript variant (1).
Genome position (GRCh38, 1-based): chr2:25,244,231, T>A on the plus strand (A>T on the coding strand, the complement: DNMT3A is on the minus strand). VCF-style: chr2-25244231-T-A. GRCh37 (hg19) VCF-style: chr2-25467100-T-A.
Other names: c.1319A>T, p.Tyr440Phe (NM_001320893.1); c.1106A>T, p.Tyr369Phe (NM_001375819.1); c.1208A>T, p.Tyr403Phe (NM_153759.3); c.1775A>T, p.Tyr592Phe (NM_175629.2); short protein forms Y403F, Y440F, Y369F, Y592F.
Identifiers: ClinVar variation 4825623 (VCV004825623.1).

ClinVar aggregate classification (germline): Uncertain significance (1 of 4 stars; one submission).

Conditions:
Inborn genetic diseases. Identifiers: MedGen C0950123, MeSH D030342.

Submission:

Ambry Genetics
Classification: Uncertain significance for Inborn genetic diseases. Last evaluated: 2026-01-17. Review status: criteria provided, single submitter. Criteria: Ambry Variant Classification Scheme 2023. Collection method: clinical testing. Allele origin: germline.
Comment: The p.Y592F variant (also known as c.1775A>T), located in coding exon 14 of the DNMT3A gene, results from an A to T substitution at nucleotide position 1775. The tyrosine at codon 592 is replaced by phenylalanine, an amino acid with highly similar properties. This amino acid position is conserved. In addition, this alteration is predicted to be tolerated by in silico analysis. Based on the available evidence, the clinical significance of this variant remains unclear.